The following is an entry in ClinVar:

NM_000552.5(VWF):c.8430_8433dup (p.Ser2812fs)

Gene: VWF (von Willebrand factor; minus strand). Cytogenetic location: 12p13.31.
Variant type: Duplication.
Coding change: c.8430_8433dup on transcript NM_000552.5 (MANE Select); coding-DNA positions 8430 to 8433, 4 bases duplicated (GTGC; older notation c.8430_8433dupGTGC).
Protein change: p.Ser2812fs; shifts the reading frame from serine 2812.
Molecular consequence: frameshift variant.
Genome position (GRCh38, 1-based): chr12:5,949,024-5,949,027, GCAC duplicated on the plus strand (GTGC on the coding strand, the reverse complement: VWF is on the minus strand). VCF-style (leftmost placement, unchanged base first): chr12-5949023-T-TGCAC. GRCh37 (hg19) VCF-style: chr12-6058189-T-TGCAC.
Other names: short protein forms S2812fs.
Identifiers: ClinVar variation 1684477 (VCV001684477.1), dbSNP rs2136336103, ClinGen allele CA2573148461.

ClinVar aggregate classification (germline): Uncertain significance (0 of 4 stars; one submission).

Conditions:
Hereditary von Willebrand disease. Identifiers: Orphanet 903, MedGen C5703318, MONDO:0019565. Inheritance: Autosomal recessive or Autosomal dominant.

Submission:

ISTH-SSC Genomics in Thrombosis and Hemostasis, KU Leuven, Center for Molecular and Vascular Biology
Classification: Uncertain significance for von Willebrand disorder. Review status: no assertion criteria provided. Collection method: research. Allele origin: unknown. Affected: yes.
Comment: Submitted to GoldVariant by Dr Karyn Mégy from NIHR Bioresource - Cambridge University, UK